The following is an entry in ClinVar:

ClinVar aggregate classification (germline): Uncertain significance (1 of 4 stars; one submission).

gnomAD v4.1: 2 of 1,613,828 alleles (0.00012%); highest among the groups gnomAD compares: African/African-American, 0.0013%; no homozygotes.

Submission:

Labcorp Genetics (formerly Invitae), Labcorp
Classification: Uncertain significance. Last evaluated: 2025-05-21. Review status: criteria provided, single submitter. Criteria: Invitae Variant Classification Sherloc (09022015). Collection method: clinical testing. Allele origin: germline.
Comment: This sequence change replaces arginine, which is basic and polar, with cysteine, which is neutral and slightly polar, at codon 284 of the PLG protein (p.Arg284Cys). This variant is present in population databases (no rsID available, gnomAD 0.0009%). This variant has not been reported in the literature in individuals affected with PLG-related conditions. Invitae Evidence Modeling of protein sequence and biophysical properties (such as structural, functional, and spatial information, amino acid conservation, physicochemical variation, residue mobility, and thermodynamic stability) indicates that this missense variant is not expected to disrupt PLG protein function with a negative predictive value of 80%. Algorithms developed to predict the effect of sequence changes on RNA splicing suggest that this variant may disrupt the consensus splice site. In summary, the available evidence is currently insufficient to determine the role of this variant in disease. Therefore, it has been classified as a Variant of Uncertain Significance.

NM_000301.5(PLG):c.850C>T (p.Arg284Cys)

Gene: PLG (plasminogen; plus strand). Cytogenetic location: 6q26.
Variant type: single nucleotide variant.
Coding change: c.850C>T on transcript NM_000301.5 (MANE Select); coding-DNA position 850, C replaced by T.
Protein change: p.Arg284Cys; replaces arginine 284 with cysteine.
Molecular consequence: missense variant.
Genome position (GRCh38, 1-based): chr6:160,718,356, C>T. VCF-style: chr6-160718356-C-T. GRCh37 (hg19) VCF-style: chr6-161139388-C-T.
Other names: short protein forms R284C.
Identifiers: ClinVar variation 4703578 (VCV004703578.1).